The following is an entry in ClinVar:

NM_001365536.1(SCN9A):c.5149C>G (p.Pro1717Ala)

Genes: SCN1A-AS1 (SCN1A and SCN9A antisense RNA 1; plus strand), SCN9A (sodium voltage-gated channel alpha subunit 9; minus strand). Cytogenetic location: 2q24.3.
Variant type: single nucleotide variant.
Coding change: c.5149C>G on transcript NM_001365536.1 (MANE Select); coding-DNA position 5149, C replaced by G.
Protein change: p.Pro1717Ala; replaces proline 1717 with alanine.
Molecular consequence: missense variant.
Genome position (GRCh38, 1-based): chr2:166,199,490, G>C on the plus strand (C>G on the coding strand, the complement: SCN9A is on the minus strand). VCF-style: chr2-166199490-G-C. GRCh37 (hg19) VCF-style: chr2-167056000-G-C.
Other names: c.5116C>G, p.Pro1706Ala (NM_002977.4); short protein forms P1717A, P1706A.
Identifiers: ClinVar variation 963655 (VCV000963655.10), dbSNP rs1693375833, ClinGen allele CA349054501.

ClinVar aggregate classification (germline): Uncertain significance (1 of 4 stars; one submission).

Conditions:
Generalized epilepsy with febrile seizures plus, type 7 (GEFSP7). Also called: GEFS+, TYPE 7. Identifiers: Orphanet 36387, MedGen C2751778, MONDO:0013470, OMIM 613863.
Neuropathy, hereditary sensory and autonomic, type 2A (HSAN2A). Also called: WNK1-Related HSAN2 (HSAN2A); HSAN IIA; MORVAN DISEASE; NEUROPATHY, CONGENITAL SENSORY; NEUROPATHY, HEREDITARY SENSORY RADICULAR, AUTOSOMAL RECESSIVE; NEUROPATHY, HEREDITARY SENSORY, TYPE IIA. Identifiers: Orphanet 970, MedGen C2752089, MONDO:0024309, OMIM 201300.

Allele frequency attached by ClinVar (database versions not stated): gnomAD exomes below 0.00001.
gnomAD v4.1: 2 of 1,614,080 alleles (0.00012%); highest among the groups gnomAD compares: Non-Finnish European, 0.00017%; no homozygotes.

Submission:

Labcorp Genetics (formerly Invitae), Labcorp
Classification: Uncertain significance for Neuropathy, hereditary sensory and autonomic, type 2A; Generalized epilepsy with febrile seizures plus, type 7. Last evaluated: 2022-11-22. Review status: criteria provided, single submitter. Criteria: Invitae Variant Classification Sherloc (09022015). Collection method: clinical testing. Allele origin: germline.
Comment: This sequence change replaces proline, which is neutral and non-polar, with alanine, which is neutral and non-polar, at codon 1706 of the SCN9A protein (p.Pro1706Ala). This variant is not present in population databases (gnomAD no frequency). This variant has not been reported in the literature in individuals affected with SCN9A-related conditions. In summary, the available evidence is currently insufficient to determine the role of this variant in disease. Therefore, it has been classified as a Variant of Uncertain Significance. Advanced modeling of protein sequence and biophysical properties (such as structural, functional, and spatial information, amino acid conservation, physicochemical variation, residue mobility, and thermodynamic stability) performed at Invitae indicates that this missense variant is not expected to disrupt SCN9A protein function. ClinVar contains an entry for this variant (Variation ID: 963655).